The following is an entry in ClinVar:

NM_000257.4(MYH7):c.137T>G (p.Phe46Cys)

Gene: MYH7 (myosin heavy chain 7; minus strand). Cytogenetic location: 14q11.2.
Variant type: single nucleotide variant.
Coding change: c.137T>G on transcript NM_000257.4 (MANE Select); coding-DNA position 137, T replaced by G.
Protein change: p.Phe46Cys; replaces phenylalanine 46 with cysteine.
Molecular consequence: missense variant.
Genome position (GRCh38, 1-based): chr14:23,433,596, A>C on the plus strand (T>G on the coding strand, the complement: MYH7 is on the minus strand). VCF-style: chr14-23433596-A-C. GRCh37 (hg19) VCF-style: chr14-23902805-A-C.
Other names: short protein forms F46C.
Identifiers: ClinVar variation 42841 (VCV000042841.7), dbSNP rs397516104, ClinGen allele CA010662.

ClinVar aggregate classification (germline): Uncertain significance. Review status: criteria provided, multiple submitters, no conflicts (2 of 4 stars). 2 submissions from 2 submitters: Uncertain significance (2). Last evaluated 2015-10-30.

Conditions:
Cardiomyopathy (CMYO). Also called: Cardiomyopathies. Identifiers: Orphanet 167848, MedGen C0878544, MONDO:0004994, HP:0001638. Inheritance: Various modes of inheritance.

Submissions (2):

CHEO Genetics Diagnostic Laboratory, Children's Hospital of Eastern Ontario
Classification: Uncertain significance for Cardiomyopathy. Last evaluated: 2015-10-30. Review status: criteria provided, single submitter. Criteria: ACMG Guidelines, 2015. Collection method: clinical testing. Allele origin: germline. Study: Canadian Open Genetics Repository.

Laboratory for Molecular Medicine, Mass General Brigham Personalized Medicine
Classification: Uncertain significance. Last evaluated: 2015-01-12. Review status: criteria provided, single submitter. Criteria: LMM Criteria. Collection method: clinical testing. Allele origin: germline. Observed: 2 variant alleles.
Comment: proposed classification - variant undergoing re-assessment, contact laboratory